The following is an entry in ClinVar:

NM_207361.6(FREM2):c.*1694A>G

Gene: FREM2 (FRAS1 related extracellular matrix 2; plus strand). Cytogenetic location: 13q13.3.
Variant type: single nucleotide variant.
Coding change: c.*1694A>G on transcript NM_207361.6 (MANE Select); 1694 bases downstream of the stop codon, A replaced by G.
Molecular consequence: 3 prime UTR variant.
Genome position (GRCh38, 1-based): chr13:38,882,481, A>G. VCF-style: chr13-38882481-A-G. GRCh37 (hg19) VCF-style: chr13-39456618-A-G.
Identifiers: ClinVar variation 312059 (VCV000312059.6), dbSNP rs17443589, ClinGen allele CA10634307.

ClinVar aggregate classification (germline): Benign. Review status: criteria provided, multiple submitters, no conflicts (2 of 4 stars). 2 submissions from 2 submitters: Benign (2). Last evaluated 2018-01-13.

Conditions:
Fraser syndrome 2 (FRASRS2). Identifiers: MedGen C4540036, MONDO:0054738, OMIM 617666.

Allele frequency attached by ClinVar (database versions not stated): 1000 Genomes Project 0.00779; 1000 Genomes Project 30x 0.00937; TOPMed 0.01569; gnomAD 0.01877 and 0.01925.

Submissions (2):

Illumina Laboratory Services, Illumina
Classification: Benign for Fraser syndrome 2. Last evaluated: 2018-01-13. Review status: criteria provided, single submitter. Criteria: ICSL Variant Classification Criteria 13 December 2019. Collection method: clinical testing. Allele origin: germline.
Comment: This variant was observed in the ICSL laboratory as part of a predisposition screen in an ostensibly healthy population. It had not been previously curated by ICSL or reported in the Human Gene Mutation Database (HGMD: prior to June 1st, 2018), and was therefore a candidate for classification through an automated scoring system. Utilizing variant allele frequency, disease prevalence and penetrance estimates, and inheritance mode, an automated score was calculated to assess if this variant is too frequent to cause the disease. Based on the score and internal cut-off values, a variant classified as benign is not then subjected to further curation. The score for this variant resulted in a classification of benign for this disease.

Breakthrough Genomics
Classification: Benign. Review status: criteria provided, single submitter. Criteria: ACMG Guidelines, 2015. Collection method: not provided. Allele origin: germline. Inheritance: Autosomal recessive inheritance. Affected: yes.